The following is an entry in ClinVar:

ClinVar aggregate classification (germline): Benign/Likely benign. Review status: criteria provided, multiple submitters, no conflicts (2 of 4 stars). 4 submissions from 4 submitters: Benign (1); Likely benign (2). 1 of the submissions does not count toward it. Last evaluated 2025-12-21.

Conditions:
Hereditary cancer-predisposing syndrome. Also called: Tumor predisposition; Hereditary Cancer Syndrome; Hereditary neoplastic syndrome; Neoplastic Syndromes, Hereditary. Identifiers: Orphanet 140162, MedGen C0027672, MeSH D009386, MONDO:0015356.
Hereditary diffuse gastric adenocarcinoma (HDGC). Also called: DIFFUSE GASTRIC AND LOBULAR BREAST CANCER SYNDROME. Identifiers: Orphanet 26106, MedGen C1708349, MONDO:0007648, OMIM 137215.

Allele frequency attached by ClinVar (database versions not stated): TOPMed 0.00002; ExAC 0.00003; gnomAD 0.00003; gnomAD exomes 0.00003 and 0.00004; ESP Exome Variant Server 0.00008.
gnomAD v4.1: 52 of 1,611,874 alleles (0.0032%); highest among the groups gnomAD compares: Non-Finnish European, 0.0043%; no homozygotes.

Submissions (4):

Labcorp Genetics (formerly Invitae), Labcorp
Classification: Likely benign for Hereditary diffuse gastric adenocarcinoma. Last evaluated: 2025-12-21. Review status: criteria provided, single submitter. Criteria: Invitae Variant Classification Sherloc (09022015). Collection method: clinical testing. Allele origin: germline.

Color Diagnostics, LLC DBA Color Health
Classification: Likely benign for Hereditary cancer-predisposing syndrome. Last evaluated: 2015-11-16. Review status: criteria provided, single submitter. Criteria: ACMG Guidelines, 2015. Collection method: clinical testing. Allele origin: germline.

GeneDx
Classification: Benign. Last evaluated: 2014-08-22. Review status: criteria provided, single submitter. Criteria: GeneDx Variant Classification (06012015). Collection method: clinical testing. Allele origin: germline. Affected: yes.
Comment: This variant is considered likely benign or benign based on one or more of the following criteria: it is a conservative change, it occurs at a poorly conserved position in the protein, it is predicted to be benign by multiple in silico algorithms, and/or has population frequency not consistent with disease.

Counsyl
Classification: Uncertain significance for Hereditary diffuse gastric adenocarcinoma. Last evaluated: 2016-02-03. Review status: no assertion criteria provided. Collection method: clinical testing. Allele origin: unknown. Not counted in ClinVar's aggregate classification.

NM_004360.5(CDH1):c.832+17G>C

Gene: CDH1 (cadherin 1; plus strand). Cytogenetic location: 16q22.1.
Variant type: single nucleotide variant.
Coding change: c.832+17G>C on transcript NM_004360.5 (MANE Select); 17 bases into the intron after coding-DNA position 832, G replaced by C.
Molecular consequence: intron variant.
Genome position (GRCh38, 1-based): chr16:68,810,358, G>C. VCF-style: chr16-68810358-G-C. GRCh37 (hg19) VCF-style: chr16-68844261-G-C.
Other names: c.832+17G>C (LRG_301t1, NM_001317184.2); c.-784+17G>C (NM_001317185.2); c.-988+17G>C (NM_001317186.2).
Identifiers: ClinVar variation 182379 (VCV000182379.13), dbSNP rs373179391, ClinGen allele CA298945.